The following is an entry in ClinVar:

ClinVar aggregate classification (germline): Benign. Review status: criteria provided, multiple submitters, no conflicts (2 of 4 stars). 6 submissions from 6 submitters: Benign (5). 1 of the submissions does not count toward it. Last evaluated 2026-01-26.

Conditions:
APC-Associated Polyposis Disorders.
Familial adenomatous polyposis 1 (FAP1). Also called: POLYPOSIS, ADENOMATOUS INTESTINAL; FAMILIAL ADENOMATOUS POLYPOSIS 1, ATTENUATED. Identifiers: MedGen C2713442, MONDO:0021056, OMIM 175100. Disease mechanism: loss of function.
Hereditary cancer-predisposing syndrome. Also called: Tumor predisposition; Hereditary Cancer Syndrome; Hereditary neoplastic syndrome; Neoplastic Syndromes, Hereditary. Identifiers: Orphanet 140162, MedGen C0027672, MeSH D009386, MONDO:0015356.
Familial colorectal cancer. Identifiers: MedGen CN280943, MONDO:0023113. Disease mechanism: loss of function.

Allele frequency attached by ClinVar (database versions not stated): gnomAD exomes 0.02993; gnomAD 0.07226 and 0.07244; TOPMed 0.08016; 1000 Genomes Project 30x 0.11633; 1000 Genomes Project 0.11741.
gnomAD v4.1: 46,489 of 1,314,438 alleles (3.5%); highest among the groups gnomAD compares: African/African-American, 19%; 2,114 homozygotes.

Submissions (6):

Labcorp Genetics (formerly Invitae), Labcorp
Classification: Benign for Familial adenomatous polyposis 1. Last evaluated: 2026-01-26. Review status: criteria provided, single submitter. Criteria: Invitae Variant Classification Sherloc (09022015). Collection method: clinical testing. Allele origin: germline.

GeneKor MSA
Classification: Benign for Hereditary cancer-predisposing syndrome. Last evaluated: 2025-07-10. Review status: criteria provided, single submitter. Criteria: ACMG Guidelines, 2015. Collection method: clinical testing. Allele origin: germline.

Illumina Laboratory Services, Illumina
Classification: Benign for APC-Associated Polyposis Disorders. Last evaluated: 2018-03-06. Review status: criteria provided, single submitter. Criteria: ICSL Variant Classification Criteria 13 December 2019. Collection method: clinical testing. Allele origin: germline.
Comment: This variant was observed in the ICSL laboratory as part of a predisposition screen in an ostensibly healthy population. It had not been previously curated by ICSL or reported in the Human Gene Mutation Database (HGMD: prior to June 1st, 2018), and was therefore a candidate for classification through an automated scoring system. Utilizing variant allele frequency, disease prevalence and penetrance estimates, and inheritance mode, an automated score was calculated to assess if this variant is too frequent to cause the disease. Based on the score and internal cut-off values, a variant classified as benign is not then subjected to further curation. The score for this variant resulted in a classification of benign for this disease.

GeneDx
Classification: Benign. Last evaluated: 2015-03-03. Review status: criteria provided, single submitter. Criteria: GeneDx Variant Classification Process June 2021. Collection method: clinical testing. Allele origin: germline. Affected: yes.
Comment: This variant is associated with the following publications: (PMID: 24599579, 15122587)

PreventionGenetics, part of Exact Sciences
Classification: Benign. Review status: criteria provided, single submitter. Criteria: ACMG Guidelines, 2015. Collection method: clinical testing. Allele origin: germline.

Systems Biology Platform Zhejiang California International NanoSystems Institute
Classification: other for Familial colorectal cancer. Review status: no assertion criteria provided. Collection method: not provided. Allele origin: unknown. Not counted in ClinVar's aggregate classification.
ClinVar note: Converted during submission from cancer to other.

NM_000038.6(APC):c.*86C>A

Gene: APC (APC regulator of Wnt signaling pathway; plus strand). Cytogenetic location: 5q22.2.
Variant type: single nucleotide variant.
Coding change: c.*86C>A on transcript NM_000038.6 (MANE Select); 86 bases downstream of the stop codon, C replaced by A.
Molecular consequence: 3 prime UTR variant.
Genome position (GRCh38, 1-based): chr5:112,844,212, C>A. VCF-style: chr5-112844212-C-A. GRCh37 (hg19) VCF-style: chr5-112179909-C-A.
Other names: c.*86C>A (NM_001127510.3, NM_001127511.3, NM_001354895.2 and 11 more transcripts).
Identifiers: ClinVar variation 83252 (VCV000083252.19), dbSNP rs1804197, ClinGen allele CA015615.